The following is an entry in ClinVar:

ClinVar aggregate classification (germline): Uncertain significance (0 of 4 stars; one submission).

Conditions:
Prostate cancer. Also called: Malignant tumor of prostate. Identifiers: Orphanet 1331, MedGen C0376358, MONDO:0008315, HP:0012125.

Allele frequency attached by ClinVar (database versions not stated): gnomAD exomes below 0.00001.
gnomAD v4.1: 1 of 1,614,190 alleles (0.000062%); highest among the groups gnomAD compares: Non-Finnish European, 0.000085%; no homozygotes.

Submission:

Science for Life laboratory,  Karolinska Institutet
Classification: Uncertain significance for Malignant tumor of prostate. Review status: no assertion criteria provided. Collection method: not provided. Allele origin: somatic.
Comment: TumorID:SWE-92B,SWE-92C
ClinVar note: Converted during submission from Unknown to Uncertain significance.

NM_018714.3(COG1):c.1348C>T (p.Gln450Ter)

Gene: COG1 (component of oligomeric golgi complex 1; plus strand). Cytogenetic location: 17q25.1.
Variant type: single nucleotide variant.
Coding change: c.1348C>T on transcript NM_018714.3 (MANE Select); coding-DNA position 1348, C replaced by T.
Protein change: p.Gln450Ter; replaces glutamine 450 with a stop codon.
Molecular consequence: nonsense.
Genome position (GRCh38, 1-based): chr17:73,201,175, C>T. VCF-style: chr17-73201175-C-T. GRCh37 (hg19) VCF-style: chr17-71197314-C-T.
Other names: short protein forms Q450*.
Identifiers: ClinVar variation 161722 (VCV000161722.2), dbSNP rs193921130, ClinGen allele CA174665.
Genomic context (GRCh38, chr17:73,201,175, plus strand): 5'-ACAAAAGAAGGCTTTGACTCCATCTCCAGTAGCTCCAAGGAGCTCTTGGTTTCAGCTTTG[C>T]AGGAACTTGAAAGCAGCACCAGCAACTCCCCTTCAAATAAGCACATCCACTTTGAGTACA-3'